The following is an entry in ClinVar:

ClinVar aggregate classification (germline): Uncertain significance. Review status: criteria provided, multiple submitters, no conflicts (2 of 4 stars). 2 submissions from 2 submitters: Uncertain significance (2). Last evaluated 2026-05-22.

gnomAD v4.1: 4 of 1,612,188 alleles (0.00025%); highest among the groups gnomAD compares: Non-Finnish European, 0.00025%; no homozygotes.

Submissions (2):

Ambry Genetics
Classification: Uncertain significance. Last evaluated: 2026-05-22. Review status: criteria provided, single submitter. Criteria: Ambry Variant Classification Scheme 2023. Collection method: clinical testing. Allele origin: germline.
Comment: The c.440C>T (p.A147V) alteration is located in exon 6 (coding exon 6) of the PSMA3 gene. This alteration results from a C to T substitution at nucleotide position 440, causing the alanine (A) at amino acid position 147 to be replaced by a valine (V). Based on data from gnomAD, the T allele has an overall frequency of <0.001% (1/251048) total alleles studied. The highest observed frequency was 0.001% (1/113604) of European (non-Finnish) alleles. Based on insufficient or conflicting evidence, the clinical significance of this alteration remains unclear.

Labcorp Genetics (formerly Invitae), Labcorp
Classification: Uncertain significance. Last evaluated: 2024-09-29. Review status: criteria provided, single submitter. Criteria: Invitae Variant Classification Sherloc (09022015). Collection method: clinical testing. Allele origin: germline.
Comment: This sequence change replaces alanine, which is neutral and non-polar, with valine, which is neutral and non-polar, at codon 147 of the PSMA3 protein (p.Ala147Val). This variant is present in population databases (rs770644373, gnomAD 0.0009%). This variant has not been reported in the literature in individuals affected with PSMA3-related conditions. An algorithm developed to predict the effect of missense changes on protein structure and function (PolyPhen-2) suggests that this variant is likely to be tolerated. In summary, the available evidence is currently insufficient to determine the role of this variant in disease. Therefore, it has been classified as a Variant of Uncertain Significance.

NM_002788.4(PSMA3):c.440C>T (p.Ala147Val)

Gene: PSMA3 (proteasome 20S subunit alpha 3; plus strand). Cytogenetic location: 14q23.1.
Variant type: single nucleotide variant.
Coding change: c.440C>T on transcript NM_002788.4 (MANE Select); coding-DNA position 440, C replaced by T.
Protein change: p.Ala147Val; replaces alanine 147 with valine.
Molecular consequence: missense variant. On other transcripts: non-coding transcript variant (1).
Genome position (GRCh38, 1-based): chr14:58,260,983, C>T. VCF-style: chr14-58260983-C-T. GRCh37 (hg19) VCF-style: chr14-58727701-C-T.
Other names: c.419C>T, p.Ala140Val (NM_152132.3); c.440C>T (NM_002788.3); short protein forms A147V, A140V.
Identifiers: ClinVar variation 3642183 (VCV003642183.3).